The following is an entry in ClinVar:

ClinVar aggregate classification (germline): Uncertain significance (1 of 4 stars; one submission).

Conditions:
Charcot-Marie-Tooth disease type 4. Also called: Charcot-Marie-Tooth disease, type IV; Charcot-Marie-Tooth, Type 4. Identifiers: Orphanet 64749, MedGen C4082197, MONDO:0018995.

Submission:

Labcorp Genetics (formerly Invitae), Labcorp
Classification: Uncertain significance for Charcot-Marie-Tooth disease type 4. Last evaluated: 2020-08-20. Review status: criteria provided, single submitter. Criteria: Invitae Variant Classification Sherloc (09022015). Collection method: clinical testing. Allele origin: germline.
Comment: This sequence change replaces phenylalanine with leucine at codon 116 of the SBF2 protein (p.Phe116Leu). The phenylalanine residue is highly conserved and there is a small physicochemical difference between phenylalanine and leucine. This variant is not present in population databases (ExAC no frequency). This variant has not been reported in the literature in individuals with SBF2-related conditions. Algorithms developed to predict the effect of missense changes on protein structure and function are either unavailable or do not agree on the potential impact of this missense change (SIFT: "Deleterious"; PolyPhen-2: "Possibly Damaging"; Align-GVGD: "Class C0"). In summary, the available evidence is currently insufficient to determine the role of this variant in disease. Therefore, it has been classified as a Variant of Uncertain Significance.

NM_030962.4(SBF2):c.348T>G (p.Phe116Leu)

Gene: SBF2 (SET binding factor 2; minus strand). Cytogenetic location: 11p15.4.
Variant type: single nucleotide variant.
Coding change: c.348T>G on transcript NM_030962.4 (MANE Select); coding-DNA position 348, T replaced by G.
Protein change: p.Phe116Leu; replaces phenylalanine 116 with leucine.
Molecular consequence: missense variant.
Genome position (GRCh38, 1-based): chr11:10,031,102, A>C on the plus strand (T>G on the coding strand, the complement: SBF2 is on the minus strand). VCF-style: chr11-10031102-A-C. GRCh37 (hg19) VCF-style: chr11-10052649-A-C.
Other names: c.348T>G, p.Phe116Leu (NM_001386339.1, NM_001386342.1); short protein forms F116L.
Identifiers: ClinVar variation 1010532 (VCV001010532.9), dbSNP rs1949238558, ClinGen allele CA379646638.
Genomic context (GRCh38, chr11:10,031,102, plus strand): 5'-CTTTACCCTAAAAATTTCTGGATAATATAATCTGGATACCAACACCAGGCTTTTGGGAGC[A>C]AACACTTCTGCAGGCTGAATTAAACCAGACACTTTTGCTTCACCTTCAATCTCTTCCTTC-3'
Protein context (NP_112224.1, residues 106-126): VSGLIQPAEV[Phe116Leu]APKSLVLVSR